The following is an entry in ClinVar:

NM_002945.5(RPA1):c.532G>C (p.Gly178Arg)

Gene: RPA1 (replication protein A1; plus strand). Cytogenetic location: 17p13.3.
Variant type: single nucleotide variant.
Coding change: c.532G>C on transcript NM_002945.5 (MANE Select); coding-DNA position 532, G replaced by C.
Protein change: p.Gly178Arg; replaces glycine 178 with arginine.
Molecular consequence: missense variant.
Genome position (GRCh38, 1-based): chr17:1,875,738, G>C. VCF-style: chr17-1875738-G-C. GRCh37 (hg19) VCF-style: chr17-1779032-G-C.
Other names: p.Gly178Arg; c.493G>C, p.Gly165Arg (NM_001355120.2); c.532G>C, p.Gly178Arg (NM_001355121.2); short protein forms G178R, G165R.
Identifiers: ClinVar variation 4542110 (VCV004542110.1).

ClinVar aggregate classification (germline): Uncertain significance (1 of 4 stars; one submission).

gnomAD v4.1: 2 of 1,614,116 alleles (0.00012%); highest among the groups gnomAD compares: Non-Finnish European, 0.00017%; no homozygotes.

Submission:

Mayo Clinic Laboratories, Mayo Clinic
Classification: Uncertain significance. Last evaluated: 2025-10-21. Review status: criteria provided, single submitter. Criteria: ACMG Guidelines, 2015. Collection method: clinical testing. Allele origin: germline. Observed: 1 variant allele.
Comment: BP4